The following is an entry in ClinVar:

ClinVar aggregate classification (germline): Benign/Likely benign. Review status: criteria provided, multiple submitters, no conflicts (2 of 4 stars). 3 submissions from 3 submitters: Benign (1); Likely benign (2). Last evaluated 2025-03-03.

Conditions:
Hereditary cancer-predisposing syndrome. Also called: Hereditary Cancer Syndrome; Hereditary neoplastic syndrome; Neoplastic Syndromes, Hereditary; Tumor predisposition. Identifiers: Orphanet 140162, MedGen C0027672, MeSH D009386, MONDO:0015356.
Pheochromocytoma/paraganglioma syndrome 5. Also called: Paragangliomas 5; SDHA-Related Hereditary Paraganglioma-Pheochromocytoma Syndrome. Identifiers: Orphanet 29072, MedGen C3279992, MONDO:0013602, OMIM 614165.
Mitochondrial complex II deficiency, nuclear type 1. Also called: SUCCINATE CoQ REDUCTASE DEFICIENCY. Identifiers: Orphanet 3208, MedGen C5700310, MONDO:0100294, OMIM 252011.

Allele frequency attached by ClinVar (database versions not stated): gnomAD exomes 0.00001.
gnomAD v4.1: 3 of 1,614,194 alleles (0.00019%); highest among the groups gnomAD compares: South Asian, 0.0033%; no homozygotes.

Submissions (3):

Myriad Genetics, Inc.
Classification: Benign for Pheochromocytoma/paraganglioma syndrome 5. Last evaluated: 2025-03-03. Review status: criteria provided, single submitter. Criteria: Myriad Autosomal Dominant, Autosomal Recessive and X-Linked Classification Criteria (2023). Collection method: clinical testing. Allele origin: unknown.
Comment: This variant is considered benign. This variant is a silent/synonymous amino acid change and it is not expected to impact splicing.

Labcorp Genetics (formerly Invitae), Labcorp
Classification: Likely benign for Pheochromocytoma/paraganglioma syndrome 5; Mitochondrial complex II deficiency, nuclear type 1. Last evaluated: 2023-06-16. Review status: criteria provided, single submitter. Criteria: Invitae Variant Classification Sherloc (09022015). Collection method: clinical testing. Allele origin: germline.

Ambry Genetics
Classification: Likely benign for Hereditary cancer-predisposing syndrome. Last evaluated: 2022-10-21. Review status: criteria provided, single submitter. Criteria: Ambry Variant Classification Scheme 2023. Collection method: clinical testing. Allele origin: germline.

NM_004168.4(SDHA):c.606C>T (p.His202=)

Gene: SDHA (succinate dehydrogenase complex flavoprotein subunit A; plus strand). Cytogenetic location: 5p15.33.
Variant type: single nucleotide variant.
Coding change: c.606C>T on transcript NM_004168.4 (MANE Select); coding-DNA position 606, C replaced by T.
Protein change: p.His202=; no amino-acid change (histidine 202 retained).
Molecular consequence: synonymous variant.
Genome position (GRCh38, 1-based): chr5:226,032, C>T. VCF-style: chr5-226032-C-T. GRCh37 (hg19) VCF-style: chr5-226147-C-T.
Other names: c.462C>T, p.His154= (NM_001294332.2); c.606C>T, p.His202= (NM_001330758.2).
Identifiers: ClinVar variation 1751376 (VCV001751376.6), dbSNP rs1487422271, ClinGen allele CA442691167.